The following is an entry in ClinVar:

NM_001429.4(EP300):c.5488A>G (p.Arg1830Gly)

Gene: EP300 (E1A binding protein p300; plus strand). Cytogenetic location: 22q13.2.
Variant type: single nucleotide variant.
Coding change: c.5488A>G on transcript NM_001429.4 (MANE Select); coding-DNA position 5488, A replaced by G.
Protein change: p.Arg1830Gly; replaces arginine 1830 with glycine.
Molecular consequence: missense variant.
Genome position (GRCh38, 1-based): chr22:41,177,199, A>G. VCF-style: chr22-41177199-A-G. GRCh37 (hg19) VCF-style: chr22-41573203-A-G.
Other names: c.5410A>G, p.Arg1804Gly (NM_001362843.2); short protein forms R1804G, R1830G.
Identifiers: ClinVar variation 2661970 (VCV002661970.1), dbSNP rs2517832575, ClinGen allele CA411709088.

ClinVar aggregate classification (germline): Uncertain significance (1 of 4 stars; one submission).

Submission:

GeneDx
Classification: Uncertain significance. Last evaluated: 2023-04-03. Review status: criteria provided, single submitter. Criteria: GeneDx Variant Classification Process June 2021. Collection method: clinical testing. Allele origin: germline. Affected: yes.
Comment: Not observed at significant frequency in large population cohorts (gnomAD); In silico analysis supports that this missense variant has a deleterious effect on protein structure/function; Has not been previously published as pathogenic or benign to our knowledge